The following is an entry in ClinVar:

ClinVar aggregate classification (germline): Uncertain significance. Review status: criteria provided, multiple submitters, no conflicts (2 of 4 stars). 4 submissions from 4 submitters: Uncertain significance (4). Last evaluated 2025-08-10.

Conditions:
Hypertrophic cardiomyopathy 1 (CMH1). Also called: Familial hypertrophic cardiomyopathy 1; MYH7-Related Familial Hypertrophic Cardiomyopathy. Identifiers: MedGen C3495498, MONDO:0008647, OMIM 192600.

Allele frequency attached by ClinVar (database versions not stated): gnomAD 0.00001; ExAC 0.00002; gnomAD exomes 0.00002; TOPMed 0.00002.
gnomAD v4.1: 32 of 1,614,028 alleles (0.002%); highest among the groups gnomAD compares: Non-Finnish European, 0.0025%; no homozygotes.

Submissions (4):

Ambry Genetics
Classification: Uncertain significance. Last evaluated: 2025-08-10. Review status: criteria provided, single submitter. Criteria: Ambry Variant Classification Scheme 2023. Collection method: clinical testing. Allele origin: germline.

Labcorp Genetics (formerly Invitae), Labcorp
Classification: Uncertain significance for Hypertrophic cardiomyopathy 1. Last evaluated: 2024-10-19. Review status: criteria provided, single submitter. Criteria: Invitae Variant Classification Sherloc (09022015). Collection method: clinical testing. Allele origin: germline.
Comment: This sequence change replaces glutamic acid, which is acidic and polar, with aspartic acid, which is acidic and polar, at codon 202 of the MYLK2 protein (p.Glu202Asp). This variant is present in population databases (rs775405264, gnomAD 0.004%). This variant has not been reported in the literature in individuals affected with MYLK2-related conditions. ClinVar contains an entry for this variant (Variation ID: 1190413). Invitae Evidence Modeling of protein sequence and biophysical properties (such as structural, functional, and spatial information, amino acid conservation, physicochemical variation, residue mobility, and thermodynamic stability) indicates that this missense variant is not expected to disrupt MYLK2 protein function with a negative predictive value of 80%. In summary, the available evidence is currently insufficient to determine the role of this variant in disease. Therefore, it has been classified as a Variant of Uncertain Significance.

Blueprint Genetics
Classification: Uncertain significance. Last evaluated: 2024-05-10. Review status: criteria provided, single submitter. Criteria: ACMG Guidelines, 2015. Collection method: clinical testing. Allele origin: germline.

GeneDx
Classification: Uncertain significance. Last evaluated: 2021-03-11. Review status: criteria provided, single submitter. Criteria: GeneDx Variant Classification Process June 2021. Collection method: clinical testing. Allele origin: germline. Affected: yes.
Comment: Has not been previously published as pathogenic or benign to our knowledge; Not observed at a significant frequency in large population cohorts (Lek et al., 2016); In silico analysis supports that this missense variant does not alter protein structure/function

NM_033118.4(MYLK2):c.606G>C (p.Glu202Asp)

Gene: MYLK2 (myosin light chain kinase 2; plus strand). Cytogenetic location: 20q11.21.
Variant type: single nucleotide variant.
Coding change: c.606G>C on transcript NM_033118.4 (MANE Select); coding-DNA position 606, G replaced by C.
Protein change: p.Glu202Asp; replaces glutamic acid 202 with aspartic acid.
Molecular consequence: missense variant.
Genome position (GRCh38, 1-based): chr20:31,821,571, G>C. VCF-style: chr20-31821571-G-C. GRCh37 (hg19) VCF-style: chr20-30409374-G-C.
Other names: short protein forms E202D.
Identifiers: ClinVar variation 1190413 (VCV001190413.11), dbSNP rs775405264, ClinGen allele CA9802963.
Genomic context (GRCh38, chr20:31,821,571, plus strand): 5'-CCACAGCCCCACGGATCCCAGGCCAGCCAAGGCAGAAGAAGGAAAGAACATCCTGGCAGA[G>C]AGCCAGAAGGAAGTGGGAGAGAAAACCCCAGGCCAGGCTGGCCAGGCTAAGATGCAAGGG-3'
Protein context (NP_149109.1, residues 192-212): KAEEGKNILA[Glu202Asp]SQKEVGEKTP